The following is an entry in ClinVar:

ClinVar aggregate classification (germline): Pathogenic (1 of 4 stars; one submission).

Conditions:
Familial cancer of breast. Also called: BREAST CANCER, FAMILIAL; Hereditary breast cancer; hereditary breast carcinoma. Identifiers: Orphanet 227535, MedGen C0346153, MONDO:0016419, OMIM 114480. Disease mechanism: loss of function.

Submission:

Labcorp Genetics (formerly Invitae), Labcorp
Classification: Pathogenic for Familial cancer of breast. Last evaluated: 2022-11-10. Review status: criteria provided, single submitter. Criteria: Invitae Variant Classification Sherloc (09022015). Collection method: clinical testing. Allele origin: germline.
Comment: This sequence change creates a premature translational stop signal (p.Thr477Lysfs*5) in the CHEK2 gene. It is expected to result in an absent or disrupted protein product. Loss-of-function variants in CHEK2 are known to be pathogenic (PMID: 21876083, 24713400). This variant is not present in population databases (gnomAD no frequency). This variant has not been reported in the literature in individuals affected with CHEK2-related conditions. ClinVar contains an entry for this variant (Variation ID: 951678). For these reasons, this variant has been classified as Pathogenic.

Literature cited by the submitters: PubMed 21876083; PubMed 24713400.

NM_007194.4(CHEK2):c.1430del (p.Thr477fs)

Gene: CHEK2 (checkpoint kinase 2; minus strand). Cytogenetic location: 22q12.1.
Variant type: Deletion.
Coding change: c.1430del on transcript NM_007194.4 (MANE Select); coding-DNA position 1430, one base deleted (C; older notation c.1430delC).
Protein change: p.Thr477fs; shifts the reading frame from threonine 477.
Molecular consequence: frameshift variant.
Genome position (GRCh38, 1-based): chr22:28,694,063, G deleted on the plus strand (C on the coding strand, the reverse complement: CHEK2 is on the minus strand). VCF-style (leftmost placement, unchanged base first): chr22-28694062-TG-T. GRCh37 (hg19) VCF-style: chr22-29090050-TG-T.
Other names: c.1559delC, p.Thr520Lysfs (NM_001005735.3); c.767delC, p.Thr256Lysfs (NM_001257387.3); c.1229delC, p.Thr410Lysfs (NM_001349956.3); c.1343delC, p.Thr448Lysfs (NM_145862.3); short protein forms T256fs, T410fs, T448fs, T477fs, T520fs.
Identifiers: ClinVar variation 951678 (VCV000951678.8), dbSNP rs2052468526, ClinGen allele CA1139667014.